The following is an entry in ClinVar:

NM_000038.6(APC):c.6034T>C (p.Phe2012Leu)

Gene: APC (APC regulator of Wnt signaling pathway; plus strand). Cytogenetic location: 5q22.2.
Variant type: single nucleotide variant.
Coding change: c.6034T>C on transcript NM_000038.6 (MANE Select); coding-DNA position 6034, T replaced by C.
Protein change: p.Phe2012Leu; replaces phenylalanine 2012 with leucine.
Molecular consequence: missense variant. On other transcripts: non-coding transcript variant (2).
Genome position (GRCh38, 1-based): chr5:112,841,628, T>C. VCF-style: chr5-112841628-T-C. GRCh37 (hg19) VCF-style: chr5-112177325-T-C.
Other names: c.5911T>C, p.Phe1971Leu (NM_001354900.2); c.5857T>C, p.Phe1953Leu (NM_001354901.2, NM_001407453.1); c.5761T>C, p.Phe1921Leu (NM_001354902.2); c.5731T>C, p.Phe1911Leu (NM_001354903.2, NM_001407458.1, NM_001407459.1 and 1 more transcripts); c.5656T>C, p.Phe1886Leu (NM_001354904.2); c.5554T>C, p.Phe1852Leu (NM_001354905.2); c.5185T>C, p.Phe1729Leu (NM_001354906.2, NM_001407470.1); c.6118T>C, p.Phe2040Leu (NM_001407446.1); and 11 more; short protein forms F1852L, F1883L, F1994L, F2030L, F1628L, F1911L, F2040L, F1921L.
Identifiers: ClinVar variation 4121574 (VCV004121574.1).

ClinVar aggregate classification (germline): Uncertain significance (1 of 4 stars; one submission).

Conditions:
Hereditary cancer-predisposing syndrome. Also called: Hereditary neoplastic syndrome; Neoplastic Syndromes, Hereditary; Tumor predisposition; Hereditary Cancer Syndrome. Identifiers: Orphanet 140162, MedGen C0027672, MeSH D009386, MONDO:0015356.

gnomAD v4.1: 2 of 1,613,452 alleles (0.00012%); highest among the groups gnomAD compares: Non-Finnish European, 0.00017%; no homozygotes.

Submission:

Ambry Genetics
Classification: Uncertain significance for Hereditary cancer-predisposing syndrome. Last evaluated: 2025-08-22. Review status: criteria provided, single submitter. Criteria: Ambry Variant Classification Scheme 2023. Collection method: clinical testing. Allele origin: germline.
Comment: The p.F2012L variant (also known as c.6034T>C), located in coding exon 15 of the APC gene, results from a T to C substitution at nucleotide position 6034. The phenylalanine at codon 2012 is replaced by leucine, an amino acid with highly similar properties. This amino acid position is conserved. In addition, in silico predictors for this gene do not accurately predict pathogenicity. Based on the available evidence, the clinical significance of this variant remains unclear.